The following is an entry in ClinVar:

NM_000548.5(TSC2):c.1600-3A>G

Gene: TSC2 (TSC complex subunit 2; plus strand). Cytogenetic location: 16p13.3.
Variant type: single nucleotide variant.
Coding change: c.1600-3A>G on transcript NM_000548.5 (MANE Select); 3 bases into the intron before coding-DNA position 1600, A replaced by G.
Molecular consequence: intron variant.
Genome position (GRCh38, 1-based): chr16:2,065,516, A>G. VCF-style: chr16-2065516-A-G. GRCh37 (hg19) VCF-style: chr16-2115517-A-G.
Other names: c.1600-3A>G (NM_001114382.3, NM_021055.3, NM_001370405.1 and 3 more transcripts); c.1489-3A>G (NM_001318827.2); c.1000-3A>G (NM_001318831.2); c.1453-3A>G (NM_001318829.2); c.1633-3A>G (NM_001318832.2).
Identifiers: ClinVar variation 49696 (VCV000049696.6), dbSNP rs45517186, ClinGen allele CA015277.

ClinVar aggregate classification (germline): Conflicting classifications of pathogenicity. Review status: criteria provided, conflicting classifications (1 of 4 stars). 3 submissions from 3 submitters: Likely pathogenic (1); Uncertain significance (1). 1 of the submissions does not count toward it. Last evaluated 2026-04-10.

Conditions:
Hereditary cancer-predisposing syndrome. Also called: Neoplastic Syndromes, Hereditary; Hereditary neoplastic syndrome; Tumor predisposition; Hereditary Cancer Syndrome. Identifiers: Orphanet 140162, MedGen C0027672, MeSH D009386, MONDO:0015356.
Tuberous sclerosis syndrome (TSC). Also called: Tuberous sclerosis; Tuberous Sclerosis Complex. Identifiers: Orphanet 805, MedGen C0041341, MONDO:0001734.
Tuberous sclerosis 2 (TSC2). Identifiers: Orphanet 805, MedGen C1860707, MONDO:0013199, OMIM 613254.

Submissions (3):

Ambry Genetics
Classification: Likely pathogenic for Hereditary cancer-predisposing syndrome. Last evaluated: 2026-04-10. Review status: criteria provided, single submitter. Criteria: Ambry Variant Classification Scheme 2023. Collection method: clinical testing. Allele origin: germline.
Comment: The c.1600-3A>G intronic variant results from an A to G substitution 3 nucleotides upstream from coding exon 15 in the TSC2 gene. This alteration was identified in 1 of 506 patients with a definite clinical diagnosis of TSC (Au KS et al. Genet Med, 2007 Feb;9:88-100). In silico splice site analysis predicts that this alteration will weaken the native splice acceptor site and will result in the creation or strengthening of a novel splice acceptor site. RNA studies have demonstrated that this variant results in abnormal splicing in the set of samples tested (Ambry internal data). This variant is considered to be rare based on population cohorts in the Genome Aggregation Database (gnomAD). Based on the majority of available evidence to date, this variant is likely to be pathogenic.

Labcorp Genetics (formerly Invitae), Labcorp
Classification: Uncertain significance for Tuberous sclerosis 2. Last evaluated: 2024-08-29. Review status: criteria provided, single submitter. Criteria: Invitae Variant Classification Sherloc (09022015). Collection method: clinical testing. Allele origin: germline.
Comment: This sequence change falls in intron 15 of the TSC2 gene. It does not directly change the encoded amino acid sequence of the TSC2 protein. It affects a nucleotide within the consensus splice site. This variant is not present in population databases (gnomAD no frequency). This variant has not been reported in the literature in individuals affected with TSC2-related conditions. ClinVar contains an entry for this variant (Variation ID: 49696). Variants that disrupt the consensus splice site are a relatively common cause of aberrant splicing (PMID: 17576681, 9536098). Algorithms developed to predict the effect of sequence changes on RNA splicing suggest that this variant may disrupt the consensus splice site. In summary, the available evidence is currently insufficient to determine the role of this variant in disease. Therefore, it has been classified as a Variant of Uncertain Significance.

Tuberous sclerosis database (TSC2)
No classification provided. Condition: TSC. Review status: no classification provided. Criteria: Tuberous Sclerosis Database Assertion Criteria 2015. Collection method: curation. Allele origin: germline. Affected: yes. Not counted in ClinVar's aggregate classification.

Literature cited by the submitters: PubMed 17304050 (cited by Ambry Genetics); PubMed 21520333 (cited by Ambry Genetics); PubMed 17576681 (cited by Labcorp Genetics (formerly Invitae), Labcorp); PubMed 9536098 (cited by Labcorp Genetics (formerly Invitae), Labcorp).